The following is an entry in ClinVar:

ClinVar aggregate classification (germline): Uncertain significance (1 of 4 stars; one submission).

Conditions:
Congenital disorder of glycosylation, type Iaa. Also called: Congenital disorder of glycosylation, type 1aa. Identifiers: MedGen C4310727, MONDO:0014904, OMIM 617082.

Submission:

Labcorp Genetics (formerly Invitae), Labcorp
Classification: Uncertain significance for Congenital disorder of glycosylation, type Iaa. Last evaluated: 2022-08-17. Review status: criteria provided, single submitter. Criteria: Invitae Variant Classification Sherloc (09022015). Collection method: clinical testing. Allele origin: germline.
Comment: In summary, the available evidence is currently insufficient to determine the role of this variant in disease. Therefore, it has been classified as a Variant of Uncertain Significance. Algorithms developed to predict the effect of missense changes on protein structure and function (SIFT, PolyPhen-2, Align-GVGD) all suggest that this variant is likely to be tolerated. This variant has not been reported in the literature in individuals affected with NUS1-related conditions. This variant is not present in population databases (gnomAD no frequency). This sequence change replaces serine, which is neutral and polar, with proline, which is neutral and non-polar, at codon 45 of the NUS1 protein (p.Ser45Pro).

NM_138459.5(NUS1):c.133T>C (p.Ser45Pro)

Gene: NUS1 (NUS1 dehydrodolichyl diphosphate synthase subunit; plus strand). Cytogenetic location: 6q22.1.
Variant type: single nucleotide variant.
Coding change: c.133T>C on transcript NM_138459.5 (MANE Select); coding-DNA position 133, T replaced by C.
Protein change: p.Ser45Pro; replaces serine 45 with proline.
Molecular consequence: missense variant.
Genome position (GRCh38, 1-based): chr6:117,675,803, T>C. VCF-style: chr6-117675803-T-C. GRCh37 (hg19) VCF-style: chr6-117996966-T-C.
Other names: short protein forms S45P.
Identifiers: ClinVar variation 1716603 (VCV001716603.5), dbSNP rs1238893479, ClinGen allele CA365535970.